The following is an entry in ClinVar:

NM_006389.5(HYOU1):c.1615A>G (p.Ile539Val)

Gene: HYOU1 (hypoxia up-regulated 1; minus strand). Cytogenetic location: 11q23.3.
Variant type: single nucleotide variant.
Coding change: c.1615A>G on transcript NM_006389.5 (MANE Select); coding-DNA position 1615, A replaced by G.
Protein change: p.Ile539Val; replaces isoleucine 539 with valine.
Molecular consequence: missense variant.
Genome position (GRCh38, 1-based): chr11:119,051,085, T>C on the plus strand (A>G on the coding strand, the complement: HYOU1 is on the minus strand). VCF-style: chr11-119051085-T-C. GRCh37 (hg19) VCF-style: chr11-118921797-T-C.
Other names: c.1615A>G, p.Ile539Val (NM_001130991.3, NM_001411041.1); short protein forms I539V.
Identifiers: ClinVar variation 3662608 (VCV003662608.3).

ClinVar aggregate classification (germline): Uncertain significance. Review status: criteria provided, multiple submitters, no conflicts (2 of 4 stars). 2 submissions from 2 submitters: Uncertain significance (2). Last evaluated 2025-02-03.

Submissions (2):

Labcorp Genetics (formerly Invitae), Labcorp
Classification: Uncertain significance. Last evaluated: 2025-02-03. Review status: criteria provided, single submitter. Criteria: Invitae Variant Classification Sherloc (09022015). Collection method: clinical testing. Allele origin: germline.
Comment: This sequence change replaces isoleucine, which is neutral and non-polar, with valine, which is neutral and non-polar, at codon 539 of the HYOU1 protein (p.Ile539Val). This variant is not present in population databases (gnomAD no frequency). This variant has not been reported in the literature in individuals affected with HYOU1-related conditions. An algorithm developed to predict the effect of missense changes on protein structure and function (PolyPhen-2) suggests that this variant is likely to be disruptive. In summary, the available evidence is currently insufficient to determine the role of this variant in disease. Therefore, it has been classified as a Variant of Uncertain Significance.

Blueprint Genetics
Classification: Uncertain significance. Last evaluated: 2019-11-06. Review status: criteria provided, single submitter. Criteria: ACMG Guidelines, 2015. Collection method: clinical testing. Allele origin: germline.